The following is an entry in ClinVar:

ClinVar aggregate classification (germline): Uncertain significance (1 of 4 stars; one submission).

gnomAD v4.1: 6 of 1,588,104 alleles (0.00038%); highest among the groups gnomAD compares: African/African-American, 0.0027%; no homozygotes.

Submission:

Greenwood Genetic Center Diagnostic Laboratories, Greenwood Genetic Center
Classification: Uncertain significance. Last evaluated: 2025-02-11. Review status: criteria provided, single submitter. Criteria: ACMG Guidelines, 2015. Collection method: clinical testing. Allele origin: germline.
Comment: PM2

NM_021160.3(ABHD16A):c.754C>T (p.Arg252Trp)

Gene: ABHD16A (abhydrolase domain containing 16A, phospholipase; minus strand). Cytogenetic location: 6p21.33.
Variant type: single nucleotide variant.
Coding change: c.754C>T on transcript NM_021160.3 (MANE Select); coding-DNA position 754, C replaced by T.
Protein change: p.Arg252Trp; replaces arginine 252 with tryptophan.
Molecular consequence: missense variant. On other transcripts: non-coding transcript variant (2).
Genome position (GRCh38, 1-based): chr6:31,691,668, G>A on the plus strand (C>T on the coding strand, the complement: ABHD16A is on the minus strand). VCF-style: chr6-31691668-G-A. GRCh37 (hg19) VCF-style: chr6-31659445-G-A.
Other names: c.655C>T, p.Arg219Trp (NM_001177515.2); short protein forms R219W, R252W.
Identifiers: ClinVar variation 4851673 (VCV004851673.1).
Genomic context (GRCh38, chr6:31,691,668, plus strand): 5'-CCCGCCGGTCCACAAACATGGTGTCAATCTCATTGCCATCACAGGCCAGCAGCTTTGCCC[G>A]GCGCCCATTACACTGAGTACGGAAGACGCAATGGCCAAGATGCAAGGGTCAGGAGGCCAC-3'
Protein context (NP_066983.1, residues 242-262): ARLVEECNGR[Arg252Trp]AKLLACDGNE